The following is an entry in ClinVar:

ClinVar aggregate classification (germline): Benign/Likely benign. Review status: criteria provided, multiple submitters, no conflicts (2 of 4 stars). 3 submissions from 3 submitters: Benign (1); Likely benign (2). Last evaluated 2025-04-02.

Conditions:
Hereditary cancer-predisposing syndrome. Also called: Hereditary Cancer Syndrome; Hereditary neoplastic syndrome; Neoplastic Syndromes, Hereditary; Tumor predisposition. Identifiers: Orphanet 140162, MedGen C0027672, MeSH D009386, MONDO:0015356.
Multiple endocrine neoplasia, type 1 (MEN1). Also called: MEN I; WERMER SYNDROME; Endocrine adenomatosis multiple; MEN 1; MEA I. Identifiers: Orphanet 652, MedGen C0025267, MeSH D018761, MONDO:0007540, OMIM 131100.

Submissions (3):

Labcorp Genetics (formerly Invitae), Labcorp
Classification: Likely benign for Multiple endocrine neoplasia, type 1. Last evaluated: 2025-04-02. Review status: criteria provided, single submitter. Criteria: Invitae Variant Classification Sherloc (09022015). Collection method: clinical testing. Allele origin: germline.

Myriad Genetics, Inc.
Classification: Benign for Multiple endocrine neoplasia, type 1. Last evaluated: 2024-11-04. Review status: criteria provided, single submitter. Criteria: Myriad Autosomal Dominant, Autosomal Recessive and X-Linked Classification Criteria (2023). Collection method: clinical testing. Allele origin: unknown.
Comment: This variant is considered benign. This variant is a silent/synonymous amino acid change and it is not expected to impact splicing.

Ambry Genetics
Classification: Likely benign for Hereditary cancer-predisposing syndrome. Last evaluated: 2024-10-15. Review status: criteria provided, single submitter. Criteria: Ambry Variant Classification Scheme 2023. Collection method: clinical testing. Allele origin: germline.

NM_001370259.2(MEN1):c.1020C>T (p.Ala340=)

Gene: MEN1 (menin 1; minus strand). Cytogenetic location: 11q13.1.
Variant type: single nucleotide variant.
Coding change: c.1020C>T on transcript NM_001370259.2 (MANE Select); coding-DNA position 1020, C replaced by T.
Protein change: p.Ala340=; no amino-acid change (alanine 340 retained).
Molecular consequence: synonymous variant. On other transcripts: non-coding transcript variant (4).
Genome position (GRCh38, 1-based): chr11:64,806,261, G>A on the plus strand (C>T on the coding strand, the complement: MEN1 is on the minus strand). VCF-style: chr11-64806261-G-A. GRCh37 (hg19) VCF-style: chr11-64573733-G-A.
Other names: c.1020C>T, p.Ala340= (NM_001370251.2, NM_001370260.2, NM_001370261.2 and 7 more transcripts); c.915C>T, p.Ala305= (NM_001370262.2, NM_001370263.2, NM_001407148.1 and 2 more transcripts); c.1035C>T, p.Ala345= (NM_001407145.1, NM_001407150.1, NM_000244.4 and 5 more transcripts).
Identifiers: ClinVar variation 3394982 (VCV003394982.3).